The following is an entry in ClinVar:

NM_000257.4(MYH7):c.2672T>C (p.Val891Ala)

Genes: MYH7 (myosin heavy chain 7; minus strand), LOC126861898 (BRD4-independent group 4 enhancer GRCh37_chr14:23893609-23894808; plus strand). Cytogenetic location: 14q11.2.
Variant type: single nucleotide variant.
Coding change: c.2672T>C on transcript NM_000257.4 (MANE Select); coding-DNA position 2672, T replaced by C.
Protein change: p.Val891Ala; replaces valine 891 with alanine.
Molecular consequence: missense variant.
Genome position (GRCh38, 1-based): chr14:23,424,776, A>G on the plus strand (T>C on the coding strand, the complement: MYH7 is on the minus strand). VCF-style: chr14-23424776-A-G. GRCh37 (hg19) VCF-style: chr14-23893985-A-G.
Other names: c.2672T>C, p.Val891Ala (NM_001407004.1); short protein forms V891A.
Identifiers: ClinVar variation 2738477 (VCV002738477.3), dbSNP rs1367484535, ClinGen allele CA389047812.

ClinVar aggregate classification (germline): Uncertain significance (1 of 4 stars; one submission).

Conditions:
Hypertrophic cardiomyopathy. Also called: HYPERTROPHIC MYOCARDIOPATHY. Identifiers: Orphanet 217569, MedGen C0007194, MeSH D002312, MONDO:0005045, HP:0001639.

Submission:

Labcorp Genetics (formerly Invitae), Labcorp
Classification: Uncertain significance for Hypertrophic cardiomyopathy. Last evaluated: 2023-07-08. Review status: criteria provided, single submitter. Criteria: Invitae Variant Classification Sherloc (09022015). Collection method: clinical testing. Allele origin: germline.
Comment: In summary, the available evidence is currently insufficient to determine the role of this variant in disease. Therefore, it has been classified as a Variant of Uncertain Significance. Advanced modeling of protein sequence and biophysical properties (such as structural, functional, and spatial information, amino acid conservation, physicochemical variation, residue mobility, and thermodynamic stability) performed at Invitae indicates that this missense variant is expected to disrupt MYH7 protein function. This sequence change replaces valine, which is neutral and non-polar, with alanine, which is neutral and non-polar, at codon 891 of the MYH7 protein (p.Val891Ala). This variant is not present in population databases (gnomAD no frequency). This variant has not been reported in the literature in individuals affected with MYH7-related conditions.